The following is an entry in ClinVar:

ClinVar aggregate classification (germline): Likely benign. Review status: criteria provided, multiple submitters, no conflicts (2 of 4 stars). 2 submissions from 2 submitters: Likely benign (2). Last evaluated 2024-07-24.

Conditions:
Familial cancer of breast. Also called: Hereditary breast cancer; BREAST CANCER, FAMILIAL; hereditary breast carcinoma. Identifiers: Orphanet 227535, MedGen C0346153, MONDO:0016419, OMIM 114480. Disease mechanism: loss of function.

Submissions (2):

Myriad Genetics, Inc.
Classification: Likely benign for Familial cancer of breast. Last evaluated: 2024-07-24. Review status: criteria provided, single submitter. Criteria: Myriad Autosomal Dominant, Autosomal Recessive and X-Linked Classification Criteria (2023). Collection method: clinical testing. Allele origin: unknown.
Comment: This variant is considered likely benign. This variant is intronic and is not expected to impact mRNA splicing.

Labcorp Genetics (formerly Invitae), Labcorp
Classification: Likely benign for Familial cancer of breast. Last evaluated: 2023-12-06. Review status: criteria provided, single submitter. Criteria: Invitae Variant Classification Sherloc (09022015). Collection method: clinical testing. Allele origin: germline.

NM_000465.4(BARD1):c.1315-10A>G

Gene: BARD1 (BRCA1 associated RING domain 1; minus strand). Cytogenetic location: 2q35.
Variant type: single nucleotide variant.
Coding change: c.1315-10A>G on transcript NM_000465.4 (MANE Select); 10 bases into the intron before coding-DNA position 1315, A replaced by G.
Molecular consequence: intron variant.
Genome position (GRCh38, 1-based): chr2:214,769,322, T>C on the plus strand (A>G on the coding strand, the complement: BARD1 is on the minus strand). VCF-style: chr2-214769322-T-C. GRCh37 (hg19) VCF-style: chr2-215634046-T-C.
Other names: c.159-16767A>G (NM_001282548.2); c.1258-10A>G (NM_001282543.2); c.216-16767A>G (NM_001282545.2); c.364+22975A>G (NM_001282549.2).
Identifiers: ClinVar variation 2702257 (VCV002702257.4), dbSNP rs1559412159, ClinGen allele CA2697550339.